The following is an entry in ClinVar:

ClinVar aggregate classification (germline): Uncertain significance. Review status: criteria provided, multiple submitters, no conflicts (2 of 4 stars). 2 submissions from 2 submitters: Uncertain significance (2). Last evaluated 2025-11-18.

Conditions:
GDF2-related disorder. Also called: GDF2-related condition.
Telangiectasia, hereditary hemorrhagic, type 5 (HHT5). Identifiers: Orphanet 774, MedGen C3809710, MONDO:0014217, OMIM 615506.

gnomAD v4.1: 14 of 1,606,702 alleles (0.00087%); highest among the groups gnomAD compares: Middle Eastern, 0.016%; no homozygotes.

Submissions (2):

Labcorp Genetics (formerly Invitae), Labcorp
Classification: Uncertain significance for Telangiectasia, hereditary hemorrhagic, type 5. Last evaluated: 2025-11-18. Review status: criteria provided, single submitter. Criteria: Invitae Variant Classification Sherloc (09022015). Collection method: clinical testing. Allele origin: germline.
Comment: This sequence change replaces threonine, which is neutral and polar, with methionine, which is neutral and non-polar, at codon 103 of the GDF2 protein (p.Thr103Met). This variant is present in population databases (rs148790168, gnomAD 0.009%). This variant has not been reported in the literature in individuals affected with GDF2-related conditions. ClinVar contains an entry for this variant (Variation ID: 3707161). Invitae Evidence Modeling of protein sequence and biophysical properties (such as structural, functional, and spatial information, amino acid conservation, physicochemical variation, residue mobility, and thermodynamic stability) indicates that this missense variant is not expected to disrupt GDF2 protein function with a negative predictive value of 80%. In summary, the available evidence is currently insufficient to determine the role of this variant in disease. Therefore, it has been classified as a Variant of Uncertain Significance.

PreventionGenetics, part of Exact Sciences
Classification: Uncertain significance for GDF2-related condition. Last evaluated: 2025-05-07. Review status: criteria provided, single submitter. Criteria: ACMG Guidelines, 2015. Collection method: clinical testing. Allele origin: germline.
Comment: The GDF2 c.308C>T variant is predicted to result in the amino acid substitution p.Thr103Met. To our knowledge, this variant has not been reported in the literature. This variant is reported in 0.0087% of alleles in individuals of Latino descent in gnomAD. At this time, the clinical significance of this variant is uncertain due to the absence of conclusive functional and genetic evidence.

NM_016204.4(GDF2):c.308C>T (p.Thr103Met)

Gene: GDF2 (growth differentiation factor 2; plus strand). Cytogenetic location: 10q11.22.
Variant type: single nucleotide variant.
Coding change: c.308C>T on transcript NM_016204.4 (MANE Select); coding-DNA position 308, C replaced by T.
Protein change: p.Thr103Met; replaces threonine 103 with methionine.
Molecular consequence: missense variant.
Genome position (GRCh38, 1-based): chr10:47,322,976, C>T. VCF-style: chr10-47322976-C-T. GRCh37 (hg19) VCF-style: chr10-48416386-G-A.
Other names: c.308C>T (NM_016204.3); short protein forms T103M.
Identifiers: ClinVar variation 3707161 (VCV003707161.3).